The following is an entry in ClinVar:

NM_000441.2(SLC26A4):c.460_461del (p.Ser154fs)

Gene: SLC26A4 (solute carrier family 26 member 4; plus strand). Cytogenetic location: 7q22.3.
Variant type: Deletion.
Coding change: c.460_461del on transcript NM_000441.2 (MANE Select); coding-DNA positions 460 to 461, 2 bases deleted (AG; older notation c.460_461delAG).
Protein change: p.Ser154fs; shifts the reading frame from serine 154.
Molecular consequence: frameshift variant.
Genome position (GRCh38, 1-based): chr7:107,674,208-107,674,209, AG deleted; deleting any 2 consecutive bases within chr7:107,674,207-107,674,209 gives the same sequence; the c. name uses the placement nearest the transcript's 3' end. VCF-style (leftmost placement, unchanged base first): chr7-107674206-TGA-T. GRCh37 (hg19) VCF-style: chr7-107314651-TGA-T.
Other names: short protein forms S154fs.
Identifiers: ClinVar variation 1726996 (VCV001726996.2), dbSNP rs2535296290, ClinGen allele CA2580076167.

ClinVar aggregate classification (germline): Likely pathogenic (1 of 4 stars; one submission).

Conditions:
Pendred syndrome (PDS). Also called: THYROID DYSHORMONOGENESIS 2B; THYROID HORMONOGENESIS, GENETIC DEFECT IN, 2B; DEAFNESS WITH GOITER; GOITER-DEAFNESS SYNDROME; HYPOTHYROIDISM, CONGENITAL, DUE TO DYSHORMONOGENESIS, 2B; Pendred's syndrome. Identifiers: Orphanet 705, MedGen C0271829, MONDO:0010134, OMIM 274600.

Submission:

Myriad Genetics, Inc.
Classification: Likely pathogenic for Pendred syndrome. Last evaluated: 2022-01-08. Review status: criteria provided, single submitter. Criteria: Myriad Women's Health Autosomal Recessive and X-Linked Classification Criteria (2021). Collection method: clinical testing. Allele origin: unknown.
Comment: NM_000441.1(SLC26A4):c.460_461delAG(S154Hfs*27) is expected to be pathogenic in the context of Pendred syndrome. This variant is predicted to lead to an abnormal or absent protein product due to the creation of a premature termination codon in SLC26A4, a gene where loss-of-function variants are known to be pathogenic. Please note: this variant was assessed in the context of healthy population screening.